The following is an entry in ClinVar:

ClinVar aggregate classification (germline): Pathogenic (1 of 4 stars; one submission).

Conditions:
Primary ciliary dyskinesia. Also called: Ciliary dyskinesia. Identifiers: Orphanet 244, MedGen C0008780, MONDO:0016575, HP:0012265.

Submission:

Labcorp Genetics (formerly Invitae), Labcorp
Classification: Pathogenic for Primary ciliary dyskinesia. Last evaluated: 2022-08-31. Review status: criteria provided, single submitter. Criteria: Invitae Variant Classification Sherloc (09022015). Collection method: clinical testing. Allele origin: germline.
Comment: For these reasons, this variant has been classified as Pathogenic. This variant has not been reported in the literature in individuals affected with RPGR-related conditions. This variant is not present in population databases (gnomAD no frequency). This sequence change creates a premature translational stop signal (p.Phe266Profs*33) in the RPGR gene. It is expected to result in an absent or disrupted protein product. Loss-of-function variants in RPGR are known to be pathogenic (PMID: 16055928, 16969763).

Literature cited by the submitters: PubMed 16055928; PubMed 16969763.

NM_001034853.2(RPGR):c.793_794dup (p.Phe266fs)

Gene: RPGR (retinitis pigmentosa GTPase regulator; minus strand). Cytogenetic location: Xp11.4.
Variant type: Duplication.
Coding change: c.793_794dup on transcript NM_001034853.2 (MANE Select); coding-DNA positions 793 to 794, 2 bases duplicated (AC; older notation c.793_794dupAC).
Protein change: p.Phe266fs; shifts the reading frame from phenylalanine 266.
Molecular consequence: frameshift variant. On other transcripts: non-coding transcript variant (5).
Genome position (GRCh38, 1-based): chrX:38,304,775-38,304,776, GT duplicated on the plus strand (AC on the coding strand, the reverse complement: RPGR is on the minus strand). VCF-style (leftmost placement, unchanged base first): chrX-38304774-G-GGT. GRCh37 (hg19) VCF-style: chrX-38164027-G-GGT.
Other names: c.793_794dup, p.Phe266fs (NM_000328.3, NM_001367246.1, NM_001367247.1 and 1 more transcripts); c.790_791dup, p.Phe265fs (NM_001367245.1, NM_001367249.1, NM_001367250.1); c.823_824dup, p.Phe276fs (NM_001367248.1); short protein forms F265fs, F276fs, F266fs.
Identifiers: ClinVar variation 2083192 (VCV002083192.4), dbSNP rs2519847450, ClinGen allele CA2580100981.